The following is an entry in ClinVar:

NM_018706.7(DHTKD1):c.1705C>G (p.Leu569Val)

Gene: DHTKD1 (dehydrogenase E1 and transketolase domain containing 1; plus strand). Cytogenetic location: 10p14.
Variant type: single nucleotide variant.
Coding change: c.1705C>G on transcript NM_018706.7 (MANE Select); coding-DNA position 1705, C replaced by G.
Protein change: p.Leu569Val; replaces leucine 569 with valine.
Molecular consequence: missense variant.
Genome position (GRCh38, 1-based): chr10:12,100,211, C>G. VCF-style: chr10-12100211-C-G. GRCh37 (hg19) VCF-style: chr10-12142210-C-G.
Other names: short protein forms L569V.
Identifiers: ClinVar variation 2162394 (VCV002162394.4), dbSNP rs750307673, ClinGen allele CA5407933.

ClinVar aggregate classification (germline): Uncertain significance (1 of 4 stars; one submission).

Conditions:
2-aminoadipic 2-oxoadipic aciduria (AAKAD). Also called: ALPHA-AMINOADIPIC AND ALPHA-KETOADIPIC ACIDURIA; Aminoadipic aciduria. Identifiers: Orphanet 79154, MedGen C1859817, MONDO:0008774, OMIM 204750.

Allele frequency attached by ClinVar (database versions not stated): gnomAD 0.00001; ExAC 0.00002.

Submission:

Labcorp Genetics (formerly Invitae), Labcorp
Classification: Uncertain significance for 2-aminoadipic 2-oxoadipic aciduria. Last evaluated: 2025-12-20. Review status: criteria provided, single submitter. Criteria: Invitae Variant Classification Sherloc (09022015). Collection method: clinical testing. Allele origin: germline.
Comment: This sequence change replaces leucine, which is neutral and non-polar, with valine, which is neutral and non-polar, at codon 569 of the DHTKD1 protein (p.Leu569Val). This variant is present in population databases (rs750307673, gnomAD 0.01%). This variant has not been reported in the literature in individuals affected with DHTKD1-related conditions. ClinVar contains an entry for this variant (Variation ID: 2162394). Invitae Evidence Modeling of protein sequence and biophysical properties (such as structural, functional, and spatial information, amino acid conservation, physicochemical variation, residue mobility, and thermodynamic stability) indicates that this missense variant is not expected to disrupt DHTKD1 protein function with a negative predictive value of 80%. In summary, the available evidence is currently insufficient to determine the role of this variant in disease. Therefore, it has been classified as a Variant of Uncertain Significance.